The following is an entry in ClinVar:

NM_000310.4(PPT1):c.362+18A>T

Gene: PPT1 (palmitoyl-protein thioesterase 1; minus strand). Cytogenetic location: 1p34.2.
Variant type: single nucleotide variant.
Coding change: c.362+18A>T on transcript NM_000310.4 (MANE Select); 18 bases into the intron after coding-DNA position 362, A replaced by T.
Molecular consequence: intron variant.
Genome position (GRCh38, 1-based): chr1:40,092,027, T>A on the plus strand (A>T on the coding strand, the complement: PPT1 is on the minus strand). VCF-style: chr1-40092027-T-A. GRCh37 (hg19) VCF-style: chr1-40557699-T-A.
Other names: c.125-2515A>T (NM_001142604.2); c.362+18A>T (NM_001363695.2).
Identifiers: ClinVar variation 390669 (VCV000390669.1), dbSNP rs201717598, ClinGen allele CA16603703.

ClinVar aggregate classification (germline): Likely benign (1 of 4 stars; one submission).

Submission:

GeneDx
Classification: Likely benign. Last evaluated: 2016-11-03. Review status: criteria provided, single submitter. Criteria: GeneDx Variant Classification (06012015). Collection method: clinical testing. Allele origin: germline. Affected: yes.
Comment: This variant is considered likely benign or benign based on one or more of the following criteria: it is a conservative change, it occurs at a poorly conserved position in the protein, it is predicted to be benign by multiple in silico algorithms, and/or has population frequency not consistent with disease.